The following is an entry in ClinVar:

NM_002439.5(MSH3):c.754_759delinsATCTATACT (p.Cys252_Gly253delinsIleTyrThr)

Gene: MSH3 (mutS homolog 3; plus strand). Cytogenetic location: 5q14.1.
Variant type: Indel.
Coding change: c.754_759delinsATCTATACT on transcript NM_002439.5 (MANE Select); coding-DNA positions 754 to 759, TGTGGA replaced by ATCTATACT.
Protein change: p.Cys252_Gly253delinsIleTyrThr.
Molecular consequence: inframe indel.
Genome position (GRCh38, 1-based): chr5:80,670,271-80,670,276, TGTGGA replaced by ATCTATACT. VCF-style: chr5-80670271-TGTGGA-ATCTATACT. GRCh37 (hg19) VCF-style: chr5-79966090-TGTGGA-ATCTATACT.
Other names: c.754_759delTGTGGAinsATCTATACT (NM_002439.3).
Identifiers: ClinVar variation 964967 (VCV000964967.8), dbSNP rs1749675449, ClinGen allele CA1139658926.

ClinVar aggregate classification (germline): Uncertain significance. Review status: criteria provided, multiple submitters, no conflicts (2 of 4 stars). 3 submissions from 3 submitters: Uncertain significance (3). Last evaluated 2023-12-07.

Conditions:
Hereditary cancer-predisposing syndrome. Also called: Tumor predisposition; Hereditary neoplastic syndrome; Hereditary Cancer Syndrome; Neoplastic Syndromes, Hereditary. Identifiers: Orphanet 140162, MedGen C0027672, MeSH D009386, MONDO:0015356.

Submissions (3):

GeneDx
Classification: Uncertain significance. Last evaluated: 2023-12-07. Review status: criteria provided, single submitter. Criteria: GeneDx Variant Classification Process June 2021. Collection method: clinical testing. Allele origin: germline. Affected: yes.
Comment: In-frame deletion 2 amino acids and insertion of 3 incorrect amino acids in a non-repeat region; Has not been previously published as pathogenic or benign to our knowledge; Not observed at significant frequency in large population cohorts (gnomAD); In silico analysis supports a deleterious effect on protein structure/function

Ambry Genetics
Classification: Uncertain significance for Hereditary cancer-predisposing syndrome. Last evaluated: 2023-07-17. Review status: criteria provided, single submitter. Criteria: Ambry Variant Classification Scheme 2023. Collection method: clinical testing. Allele origin: germline.
Comment: The c.754_759delTGTGGAinsATCTATACT variant (also known as p.C252_G253delinsIYT), located in coding exon 4 of the MSH3 gene, results from an in-frame deletion of TGTGGA and insertion of ATCTATACT at nucleotide positions 754 to 759. This results in the substitution of isoleucine, tyrosine, and threonine residues for a cysteine and glycine residue at codons 252 to 253. This amino acid region is highly conserved in available vertebrate species. In addition, this alteration is predicted to be deleterious by in silico analysis (Choi Y et al. PLoS ONE. 2012; 7(10):e46688). Since supporting evidence is limited at this time, the clinical significance of this alteration remains unclear.

Labcorp Genetics (formerly Invitae), Labcorp
Classification: Uncertain significance. Last evaluated: 2019-05-10. Review status: criteria provided, single submitter. Criteria: Invitae Variant Classification Sherloc (09022015). Collection method: clinical testing. Allele origin: germline.
Comment: This variant, c.754_759delinsATCTATACT, results in the deletion of 2 amino acids and the insertion of 3 amino acids to the MSH3 protein (p.Cys252_Gly253delinsIleTyrThr), but otherwise preserves the integrity of the reading frame. This variant is not present in population databases (ExAC no frequency). This variant has not been reported in the literature in individuals with MSH3-related conditions. In summary, the available evidence is currently insufficient to determine the role of this variant in disease. Therefore, it has been classified as a Variant of Uncertain Significance.